The following is an entry in ClinVar:

NM_000530.8(MPZ):c.398C>G (p.Pro133Arg)

Gene: MPZ (myelin protein zero; minus strand). Cytogenetic location: 1q23.3.
Variant type: single nucleotide variant.
Coding change: c.398C>G on transcript NM_000530.8 (MANE Select); coding-DNA position 398, C replaced by G.
Protein change: p.Pro133Arg; replaces proline 133 with arginine.
Molecular consequence: missense variant.
Genome position (GRCh38, 1-based): chr1:161,306,758, G>C on the plus strand (C>G on the coding strand, the complement: MPZ is on the minus strand). VCF-style: chr1-161306758-G-C. GRCh37 (hg19) VCF-style: chr1-161276548-G-C.
Other names: c.398C>G (LRG_256t1); c.398C>G, p.Pro133Arg (NM_001315491.2); short protein forms P133R.
Identifiers: ClinVar variation 572034 (VCV000572034.11), dbSNP rs1558154010, ClinGen allele CA343348688.

ClinVar aggregate classification (germline): Likely pathogenic. Review status: criteria provided, multiple submitters, no conflicts (2 of 4 stars). 2 submissions from 2 submitters: Likely pathogenic (2). Last evaluated 2025-03-23.

Conditions:
Charcot-Marie-Tooth disease, type I (CMT1). Also called: Charcot-Marie-Tooth, Type 1; Charcot-Marie-Tooth disease type 1. Identifiers: Orphanet 65753, MedGen C0751036, MONDO:0019011.
Charcot-Marie-Tooth disease type 2J (CMT2J). Also called: CHARCOT-MARIE-TOOTH DISEASE, AXONAL, TYPE 2J; CHARCOT-MARIE-TOOTH DISEASE, TYPE 2, WITH HEARING LOSS AND PUPILLARY ABNORMALITIES; CHARCOT-MARIE-TOOTH NEUROPATHY, TYPE 2J. Identifiers: Orphanet 99943, MedGen C1843153, MONDO:0011903, OMIM 607736.

Submissions (2):

Labcorp Genetics (formerly Invitae), Labcorp
Classification: Likely pathogenic for Charcot-Marie-Tooth disease, type I. Last evaluated: 2025-03-23. Review status: criteria provided, single submitter. Criteria: Invitae Variant Classification Sherloc (09022015). Collection method: clinical testing. Allele origin: germline.
Comment: This sequence change replaces proline, which is neutral and non-polar, with arginine, which is basic and polar, at codon 133 of the MPZ protein (p.Pro133Arg). This variant is not present in population databases (gnomAD no frequency). This missense change has been observed in individual(s) with clinical features of Charcot-Marie-Tooth disease (internal data). ClinVar contains an entry for this variant (Variation ID: 572034). Invitae Evidence Modeling of protein sequence and biophysical properties (such as structural, functional, and spatial information, amino acid conservation, physicochemical variation, residue mobility, and thermodynamic stability) indicates that this missense variant is expected to disrupt MPZ protein function with a positive predictive value of 80%. This variant disrupts the p.Pro133 amino acid residue in MPZ. Other variant(s) that disrupt this residue have been determined to be pathogenic (PMID: 22433810). This suggests that this residue is clinically significant, and that variants that disrupt this residue are likely to be disease-causing. In summary, the currently available evidence indicates that the variant is pathogenic, but additional data are needed to prove that conclusively. Therefore, this variant has been classified as Likely Pathogenic.

3billion
Classification: Likely pathogenic for Charcot-Marie-Tooth disease type 2J. Last evaluated: 2023-02-23. Review status: criteria provided, single submitter. Criteria: ACMG Guidelines, 2015. Collection method: clinical testing. Allele origin: unknown. Affected: yes.
Comment: The variant is not observed in the gnomAD v2.1.1 dataset. In silico tool predictions suggest damaging effect of the variant on gene or gene product (REVEL: 0.76; 3Cnet: 1.00). Same nucleotide change resulting in same amino acid change has been previously reported to be associated with MPZ related disorder (ClinVar ID: VCV000572034). Different missense changes at the same codon (p.Pro133Ala, p.Pro133Leu, p.Pro133Ser, p.Pro133Thr) have been reported as pathogenic/likely pathogenic with strong evidence (ClinVar ID: VCV000462797, VCV000578468, VCV000636232, VCV000637337). Therefore, this variant is classified as Likely pathogenic according to the recommendation of ACMG/AMP guideline.

Literature cited by the submitters: PubMed 22433810 (cited by Labcorp Genetics (formerly Invitae), Labcorp).